The following is an entry in ClinVar:

ClinVar aggregate classification (germline): Uncertain significance (1 of 4 stars; one submission).

gnomAD v4.1: 2 of 1,614,088 alleles (0.00012%); highest among the groups gnomAD compares: Non-Finnish European, 0.00017%; no homozygotes.

Submission:

Labcorp Genetics (formerly Invitae), Labcorp
Classification: Uncertain significance. Last evaluated: 2019-07-23. Review status: criteria provided, single submitter. Criteria: Invitae Variant Classification Sherloc (09022015). Collection method: clinical testing. Allele origin: germline.
Comment: In summary, the available evidence is currently insufficient to determine the role of this variant in disease. Therefore, it has been classified as a Variant of Uncertain Significance. Algorithms developed to predict the effect of missense changes on protein structure and function are either unavailable or do not agree on the potential impact of this missense change (SIFT: "Deleterious"; PolyPhen-2: "Probably Damaging"; Align-GVGD: "Class C0"). This variant has not been reported in the literature in individuals with RINT1-related conditions. This variant is not present in population databases (ExAC no frequency). This sequence change replaces aspartic acid with histidine at codon 403 of the RINT1 protein (p.Asp403His). The aspartic acid residue is highly conserved and there is a moderate physicochemical difference between aspartic acid and histidine.

NM_021930.6(RINT1):c.1207G>C (p.Asp403His)

Gene: RINT1 (RAD50 interactor 1; plus strand). Cytogenetic location: 7q22.3.
Variant type: single nucleotide variant.
Coding change: c.1207G>C on transcript NM_021930.6 (MANE Select); coding-DNA position 1207, G replaced by C.
Protein change: p.Asp403His; replaces aspartic acid 403 with histidine.
Molecular consequence: missense variant. On other transcripts: non-coding transcript variant (1).
Genome position (GRCh38, 1-based): chr7:105,550,360, G>C. VCF-style: chr7-105550360-G-C. GRCh37 (hg19) VCF-style: chr7-105190807-G-C.
Other names: c.973G>C, p.Asp325His (NM_001346599.2); c.184G>C, p.Asp62His (NM_001346600.2, NM_001346603.2); c.283G>C, p.Asp95His (NM_001346601.2); short protein forms D95H, D325H, D62H, D403H.
Identifiers: ClinVar variation 937537 (VCV000937537.9), dbSNP rs1289113738, ClinGen allele CA368809185.